The following is an entry in ClinVar:

NM_024537.4(CARS2):c.1402C>G (p.Leu468Val)

Gene: CARS2 (cysteinyl-tRNA synthetase 2, mitochondrial; minus strand). Cytogenetic location: 13q34.
Variant type: single nucleotide variant.
Coding change: c.1402C>G on transcript NM_024537.4 (MANE Select); coding-DNA position 1402, C replaced by G.
Protein change: p.Leu468Val; replaces leucine 468 with valine.
Molecular consequence: missense variant. On other transcripts: non-coding transcript variant (2).
Genome position (GRCh38, 1-based): chr13:110,644,399, G>C on the plus strand (C>G on the coding strand, the complement: CARS2 is on the minus strand). VCF-style: chr13-110644399-G-C. GRCh37 (hg19) VCF-style: chr13-111296746-G-C.
Other names: c.616C>G, p.Leu206Val (NM_001352252.2); c.1402C>G (NM_024537.3); short protein forms L468V, L206V.
Identifiers: ClinVar variation 2004799 (VCV002004799.5), dbSNP rs1594210121, ClinGen allele CA388741777.
Genomic context (GRCh38, chr13:110,644,399, plus strand): 5'-CATGGAGAAAATTCCAGAATTAAGCATTTAAAATAATAGGACCTACCTGTTGATTTGCCA[G>C]AGAAATTCCAACAGTTTCAAAAAACTGTTCAAAGTAAGAGATGATGGCACCAAACACAGC-3'
Protein context (NP_078813.1, residues 458-478): EQFFETVGIS[Leu468Val]ANQQYVSGDG

ClinVar aggregate classification (germline): Uncertain significance (1 of 4 stars; one submission).

Conditions:
Hepatoencephalopathy due to combined oxidative phosphorylation defect type 1. Also called: HEPATOENCEPHALOPATHY, EARLY FATAL PROGRESSIVE. Identifiers: Orphanet 137681, MedGen C1836797, MONDO:0012191, OMIM 609060.
Combined oxidative phosphorylation defect type 27. Also called: Combined oxidative phosphorylation deficiency 27. Identifiers: Orphanet 477774, MedGen C5567608, MONDO:0014728, OMIM 616672.

Submission:

Labcorp Genetics (formerly Invitae), Labcorp
Classification: Uncertain significance for Combined oxidative phosphorylation defect type 27. Last evaluated: 2022-06-11. Review status: criteria provided, single submitter. Criteria: Invitae Variant Classification Sherloc (09022015). Collection method: clinical testing. Allele origin: germline.
Comment: This variant has not been reported in the literature in individuals affected with CARS2-related conditions. In summary, the available evidence is currently insufficient to determine the role of this variant in disease. Therefore, it has been classified as a Variant of Uncertain Significance. Algorithms developed to predict the effect of missense changes on protein structure and function (SIFT, PolyPhen-2, Align-GVGD) all suggest that this variant is likely to be tolerated. This variant is not present in population databases (gnomAD no frequency). This sequence change replaces leucine, which is neutral and non-polar, with valine, which is neutral and non-polar, at codon 468 of the CARS2 protein (p.Leu468Val).